The following is an entry in ClinVar:

NM_201384.3(PLEC):c.6038G>A (p.Arg2013Gln)

Gene: PLEC (plectin; minus strand). Cytogenetic location: 8q24.3.
Variant type: single nucleotide variant.
Coding change: c.6038G>A on transcript NM_201384.3 (MANE Select); coding-DNA position 6038, G replaced by A.
Protein change: p.Arg2013Gln; replaces arginine 2013 with glutamine.
Molecular consequence: missense variant.
Genome position (GRCh38, 1-based): chr8:143,923,891, C>T on the plus strand (G>A on the coding strand, the complement: PLEC is on the minus strand). VCF-style: chr8-143923891-C-T. GRCh37 (hg19) VCF-style: chr8-144998059-C-T.
Other names: c.6119G>A, p.Arg2040Gln (NM_000445.5); c.5996G>A, p.Arg1999Gln (NM_201378.4); c.5972G>A, p.Arg1991Gln (NM_201379.3); c.6449G>A, p.Arg2150Gln (NM_201380.4); c.5942G>A, p.Arg1981Gln (NM_201381.3); c.6038G>A, p.Arg2013Gln (NM_201382.4); c.6119G>A (NM_000445.3, NM_000445.4); c.6050G>A, p.Arg2017Gln (NM_201383.3); short protein forms R1981Q, R1991Q, R1999Q, R2013Q, R2017Q, R2040Q, R2150Q.
Identifiers: ClinVar variation 496988 (VCV000496988.16), dbSNP rs369708974, ClinGen allele CA4926132.

ClinVar aggregate classification (germline): Conflicting classifications of pathogenicity. Review status: criteria provided, conflicting classifications (1 of 4 stars). 6 submissions from 6 submitters: Uncertain significance (4); Likely benign (2). Last evaluated 2026-09-12.

Conditions:
Autosomal recessive limb-girdle muscular dystrophy type 2Q (LGMDR17). Also called: MUSCULAR DYSTROPHY, LIMB-GIRDLE, AUTOSOMAL RECESSIVE 17. Identifiers: Orphanet 254361, MedGen C3150989, MONDO:0013390, OMIM 613723.
Epidermolysis bullosa simplex 5B, with muscular dystrophy (EBS5B). Also called: EPIDERMOLYSIS BULLOSA SIMPLEX AND LIMB-GIRDLE MUSCULAR DYSTROPHY; Epidermolysis bullosa simplex with muscular dystrophy. Identifiers: Orphanet 257, MedGen C2931072, MONDO:0009181, OMIM 226670.
Epidermolysis bullosa simplex, Ogna type (EBS5A). Also called: Pidermolysis bullosa simplex 5A, Ogna type; EPIDERMOLYSIS BULLOSA SIMPLEX 5A, OGNA TYPE. Identifiers: Orphanet 79401, MedGen C0432317, MONDO:0007555, OMIM 131950.
Epidermolysis bullosa simplex with nail dystrophy (EBS5D). Identifiers: MedGen C4225309, MONDO:0014661, OMIM 616487.
Epidermolysis bullosa simplex 5C, with pyloric atresia (EBS5C). Also called: PLEC-Related Epidermolysis Bullosa with Pyloric Atresia; Epidermolysis bullosa simplex with pyloric atresia; PLEC1-Related Epidermolysis Bullosa with Pyloric Atresia. Identifiers: Orphanet 158684, MedGen C2677349, MONDO:0012807, OMIM 612138.
PLEC-related disorder. Also called: PLEC-related disorders; PLEC-related condition.
Junctional epidermolysis bullosa with pyloric atresia. Also called: APLASIA CUTIS CONGENITA WITH GASTROINTESTINAL ATRESIA; CARMI SYNDROME; EB-PA-ACC; ITGB4-Related Epidermolysis Bullosa with Pyloric Atresia; EPIDERMOLYSIS BULLOSA, JUNCTIONAL 5B, WITH PYLORIC ATRESIA; Epidermolysis bullosa, junctional, with pyloric atresia and aplasia cutis congenita. Identifiers: Orphanet 79403, MedGen C5676875, MONDO:0009183, OMIM 226730.
Inborn genetic diseases. Identifiers: MedGen C0950123, MeSH D030342.

Allele frequency attached by ClinVar (database versions not stated): TOPMed 0.00004; gnomAD 0.00006 and 0.00011; ESP Exome Variant Server 0.00009; gnomAD exomes 0.00012 and 0.00034; 1000 Genomes Project 0.00020; 1000 Genomes Project 30x 0.00031; ExAC 0.00061.
gnomAD v4.1: 190 of 1,594,710 alleles (0.012%); highest among the groups gnomAD compares: South Asian, 0.15%; 2 homozygotes.

Submissions (6):

PreventionGenetics, part of Exact Sciences
Classification: Likely benign for PLEC-related condition. Last evaluated: 2026-09-12. Review status: criteria provided, single submitter. Criteria: ACMG Guidelines, 2015. Collection method: clinical testing. Allele origin: germline.
Comment: This variant is classified as likely benign based on ACMG/AMP sequence variant interpretation guidelines (Richards et al. 2015 PMID: 25741868, with internal and published modifications).

Ambry Genetics
Classification: Uncertain significance for Inborn genetic diseases. Last evaluated: 2025-06-17. Review status: criteria provided, single submitter. Criteria: Ambry Variant Classification Scheme 2023. Collection method: clinical testing. Allele origin: germline.

Labcorp Genetics (formerly Invitae), Labcorp
Classification: Likely benign for Autosomal recessive limb-girdle muscular dystrophy type 2Q; Epidermolysis bullosa simplex, Ogna type; Epidermolysis bullosa simplex with nail dystrophy; Epidermolysis bullosa simplex 5C, with pyloric atresia; Epidermolysis bullosa simplex 5B, with muscular dystrophy. Last evaluated: 2025-02-26. Review status: criteria provided, single submitter. Criteria: Invitae Variant Classification Sherloc (09022015). Collection method: clinical testing. Allele origin: germline.

Revvity Omics, Revvity
Classification: Uncertain significance. Last evaluated: 2024-06-05. Review status: criteria provided, single submitter. Criteria: ACMG Guidelines, 2015. Collection method: clinical testing. Allele origin: germline.

Department of Pathology and Laboratory Medicine, Sinai Health System
Classification: Uncertain significance for Epidermolysis bullosa simplex, Ogna type; Epidermolysis bullosa simplex 5B, with muscular dystrophy; Junctional epidermolysis bullosa with pyloric atresia; Epidermolysis bullosa simplex 5C, with pyloric atresia; Autosomal recessive limb-girdle muscular dystrophy type 2Q; Epidermolysis bullosa simplex with nail dystrophy. Last evaluated: 2022-02-22. Review status: criteria provided, single submitter. Criteria: ACMG Guidelines, 2015. Collection method: research. Allele origin: germline.

Eurofins Ntd Llc (ga)
Classification: Uncertain significance. Last evaluated: 2017-02-28. Review status: criteria provided, single submitter. Criteria: EGL Classification Definitions 2015. Collection method: clinical testing. Allele origin: germline. Observed: 2 variant alleles, 2 heterozygotes.